The following is an entry in ClinVar:

ClinVar aggregate classification (germline): Pathogenic/Likely pathogenic. Review status: criteria provided, multiple submitters, no conflicts (2 of 4 stars). 2 submissions from 2 submitters: Pathogenic (1); Likely pathogenic (1). Last evaluated 2023-12-06.

Conditions:
Arrhythmogenic right ventricular dysplasia 10. Also called: Arrhythmogenic Right Ventricular Dysplasia/Cardiomyopathy10; ARRHYTHMOGENIC RIGHT VENTRICULAR DYSPLASIA, FAMILIAL, 10; Arrhythmogenic right ventricular dysplasia/cardiomyopathy, type 10. Identifiers: MedGen C1857777, MONDO:0012434, OMIM 610193.

Allele frequency attached by ClinVar (database versions not stated): gnomAD exomes below 0.00001; ExAC 0.00001.

Submissions (2):

Labcorp Genetics (formerly Invitae), Labcorp
Classification: Pathogenic for Arrhythmogenic right ventricular dysplasia 10. Last evaluated: 2023-12-06. Review status: criteria provided, single submitter. Criteria: Invitae Variant Classification Sherloc (09022015). Collection method: clinical testing. Allele origin: germline.
Comment: This sequence change creates a premature translational stop signal (p.Thr31Glnfs*14) in the DSG2 gene. It is expected to result in an absent or disrupted protein product. Loss-of-function variants in DSG2 are known to be pathogenic (PMID: 17105751, 31386562). This variant is present in population databases (rs758282201, gnomAD 0.003%). This variant has not been reported in the literature in individuals affected with DSG2-related conditions. ClinVar contains an entry for this variant (Variation ID: 422697). For these reasons, this variant has been classified as Pathogenic.

GeneDx
Classification: Likely pathogenic. Last evaluated: 2016-11-15. Review status: criteria provided, single submitter. Criteria: GeneDx Variant Classification (06012015). Collection method: clinical testing. Allele origin: germline. Affected: yes.
Comment: Although the c.91delA likely pathogenic variant in the DSG2 gene has not been reported to our knowledge, this variant causes a shift in reading frame starting at codon Threonine 31, changing it to a Glutamine, and creating a premature stop codon at position 14 of the new reading frame, denoted p.Thr31GlnfsX14. This variant is expected to result in either an abnormal, truncated protein product or loss of protein from this allele through nonsense-mediated mRNA decay. Other frameshift variants in the DSG2 gene have been reported in HGMD in association with cardiomyopathy (Stenson et al., 2014). Furthermore, the c.91delA variant was not observed in approximately 5,900 individuals of European and African American ancestry in the NHLBI Exome Sequencing Project, indicating it is not a common benign variant in these populations.In summary, c.91delA in the DSG2 gene is expected to be pathogenic, as loss of function variants in this gene are strongly associated with this phenotype.

Literature cited by the submitters: PubMed 17105751 (cited by Labcorp Genetics (formerly Invitae), Labcorp); PubMed 31386562 (cited by Labcorp Genetics (formerly Invitae), Labcorp).

NM_001943.5(DSG2):c.91del (p.Thr31fs)

Gene: DSG2 (desmoglein 2; plus strand). Cytogenetic location: 18q12.1.
Variant type: Deletion.
Coding change: c.91del on transcript NM_001943.5 (MANE Select); coding-DNA position 91, one base deleted (A; older notation c.91delA).
Protein change: p.Thr31fs; shifts the reading frame from threonine 31.
Molecular consequence: frameshift variant.
Genome position (GRCh38, 1-based): chr18:31,519,812, A deleted. VCF-style (leftmost placement, unchanged base first): chr18-31519811-CA-C. GRCh37 (hg19) VCF-style: chr18-29099774-CA-C.
Other names: c.91del (LRG_397t1); short protein forms T31fs.
Identifiers: ClinVar variation 422697 (VCV000422697.7), dbSNP rs758282201, ClinGen allele CA050469.